The following is an entry in ClinVar:

ClinVar aggregate classification (germline): Pathogenic. Review status: criteria provided, multiple submitters, no conflicts (2 of 4 stars). 2 submissions from 2 submitters: Pathogenic (2). Last evaluated 2024-11-04.

Conditions:
Gorlin syndrome. Also called: Basal cell nevus syndrome; Nevoid Basal Cell Carcinoma Syndrome. Identifiers: Orphanet 377, MedGen C0004779, MONDO:0007187.

Submissions (2):

Institute of Medical Genetics and Applied Genomics, University Hospital Tübingen
Classification: Pathogenic for Gorlin syndrome. Last evaluated: 2024-11-04. Review status: criteria provided, single submitter. Criteria: ACMG Guidelines, 2015. Collection method: clinical testing. Allele origin: germline. Inheritance: Autosomal dominant inheritance. Affected: yes.

Labcorp Genetics (formerly Invitae), Labcorp
Classification: Pathogenic for Gorlin syndrome. Last evaluated: 2018-01-22. Review status: criteria provided, single submitter. Criteria: Invitae Variant Classification Sherloc (09022015). Collection method: clinical testing. Allele origin: germline.
Comment: This variant is not present in population databases (ExAC no frequency). For these reasons, this variant has been classified as Pathogenic. Loss-of-function variants in PTCH1 are known to be pathogenic (PMID: 16301862, 16419085). This variant has not been reported in the literature in individuals with PTCH1-related disease. This sequence change creates a premature translational stop signal (p.Tyr193*) in the PTCH1 gene. It is expected to result in an absent or disrupted protein product.

Literature cited by the submitters: PubMed 16301862 (cited by Labcorp Genetics (formerly Invitae), Labcorp); PubMed 16419085 (cited by Labcorp Genetics (formerly Invitae), Labcorp).

NM_000264.5(PTCH1):c.579C>A (p.Tyr193Ter)

Gene: PTCH1 (patched 1; minus strand). Cytogenetic location: 9q22.32.
Variant type: single nucleotide variant.
Coding change: c.579C>A on transcript NM_000264.5 (MANE Select); coding-DNA position 579, C replaced by A.
Protein change: p.Tyr193Ter; replaces tyrosine 193 with a stop codon.
Molecular consequence: nonsense. On other transcripts: non-coding transcript variant (1).
Genome position (GRCh38, 1-based): chr9:95,485,690, G>T on the plus strand (C>A on the coding strand, the complement: PTCH1 is on the minus strand). VCF-style: chr9-95485690-G-T. GRCh37 (hg19) VCF-style: chr9-98247972-G-T.
Other names: c.381C>A, p.Tyr127Ter (NM_001083602.3, NM_001354919.2); c.576C>A, p.Tyr192Ter (NM_001083603.3); c.126C>A, p.Tyr42Ter (NM_001083604.3, NM_001083605.3, NM_001083606.3 and 1 more transcripts); c.579C>A, p.Tyr193Ter (NM_001354918.2); short protein forms Y193*, Y127*, Y42*, Y192*.
Identifiers: ClinVar variation 578127 (VCV000578127.7), dbSNP rs1333346461, ClinGen allele CA374116569.
Genomic context (GRCh38, chr9:95,485,690, plus strand): 5'-CTTCTCCCACCGCCTTACCTGCTGCTCATTAGTAGGTGGACGCGGCGGGCCTTACCTGTT[G>T]TACATGTATACATGGACACGGCTGGCCTGGAGTGCCGAGTCCAGGTGTTGTAGGAGCGCT-3'